The following is an entry in ClinVar:

ClinVar aggregate classification (germline): Uncertain significance. Review status: criteria provided, multiple submitters, no conflicts (2 of 4 stars). 2 submissions from 2 submitters: Uncertain significance (2). Last evaluated 2025-12-18.

Conditions:
OSBPL2-related disorder. Also called: OSBPL2-related condition.

Allele frequency attached by ClinVar (database versions not stated): TOPMed below 0.00001; gnomAD 0.00001; gnomAD exomes 0.00001; ExAC 0.00003.
gnomAD v4.1: 17 of 1,613,726 alleles (0.0011%); highest among the groups gnomAD compares: Middle Eastern, 0.016%; no homozygotes.

Submissions (2):

PreventionGenetics, part of Exact Sciences
Classification: Uncertain significance for OSBPL2-related condition. Last evaluated: 2025-12-18. Review status: criteria provided, single submitter. Criteria: ACMG Guidelines, 2015. Collection method: clinical testing. Allele origin: germline.
Comment: The OSBPL2 c.283A>G variant is predicted to result in the amino acid substitution p.Ile95Val. To our knowledge, this variant has not been reported in the literature. This variant is reported in 0.0065% of alleles in individuals of South Asian descent in gnomAD. At this time, the clinical significance of this variant is uncertain due to the absence of conclusive functional and genetic evidence.

Labcorp Genetics (formerly Invitae), Labcorp
Classification: Uncertain significance. Last evaluated: 2023-10-22. Review status: criteria provided, single submitter. Criteria: Invitae Variant Classification Sherloc (09022015). Collection method: clinical testing. Allele origin: germline.
Comment: This sequence change replaces isoleucine, which is neutral and non-polar, with valine, which is neutral and non-polar, at codon 95 of the OSBPL2 protein (p.Ile95Val). This variant is present in population databases (rs766112116, gnomAD 0.006%). This variant has not been reported in the literature in individuals affected with OSBPL2-related conditions. An algorithm developed to predict the effect of missense changes on protein structure and function (PolyPhen-2) suggests that this variant is likely to be tolerated. In summary, the available evidence is currently insufficient to determine the role of this variant in disease. Therefore, it has been classified as a Variant of Uncertain Significance.

NM_144498.4(OSBPL2):c.283A>G (p.Ile95Val)

Gene: OSBPL2 (oxysterol binding protein like 2; plus strand). Cytogenetic location: 20q13.33.
Variant type: single nucleotide variant.
Coding change: c.283A>G on transcript NM_144498.4 (MANE Select); coding-DNA position 283, A replaced by G.
Protein change: p.Ile95Val; replaces isoleucine 95 with valine.
Molecular consequence: missense variant.
Genome position (GRCh38, 1-based): chr20:62,272,149, A>G. VCF-style: chr20-62272149-A-G. GRCh37 (hg19) VCF-style: chr20-60847205-A-G.
Other names: c.7A>G, p.Ile3Val (NM_001278649.3, NM_001363878.2); c.247A>G, p.Ile83Val (NM_014835.5); c.283A>G (NM_144498.2); short protein forms I83V, I95V, I3V.
Identifiers: ClinVar variation 2891090 (VCV002891090.4), dbSNP rs766112116, ClinGen allele CA9938416.
Genomic context (GRCh38, chr20:62,272,149, plus strand): 5'-GCAGCAGTAACCAGCGAGTCTTCCCCATCTTTCCAGGAGCTGTCCAAGATCACGATGCCA[A>G]TCGCCTTCAACGAGCCTCTGAGCTTCTTGCAGCGGATCACGGAGTACATGGAGCACGTGT-3'
Protein context (NP_653081.1, residues 85-105): GLELSKITMP[Ile95Val]AFNEPLSFLQ